The following is an entry in ClinVar:

ClinVar aggregate classification (germline): Uncertain significance. Review status: criteria provided, multiple submitters, no conflicts (2 of 4 stars). 2 submissions from 2 submitters: Uncertain significance (2). Last evaluated 2025-03-12.

Conditions:
Hereditary cancer-predisposing syndrome. Also called: Neoplastic Syndromes, Hereditary; Tumor predisposition; Hereditary Cancer Syndrome; Hereditary neoplastic syndrome. Identifiers: Orphanet 140162, MedGen C0027672, MeSH D009386, MONDO:0015356.
Pheochromocytoma. Also called: MAX-Related Hereditary Paraganglioma-Pheochromocytoma Syndrome. Identifiers: Orphanet 29072, MedGen C0031511, MONDO:0008233, OMIM 171300, HP:0002666.
Carney-Stratakis syndrome. Also called: PARAGANGLIOMA AND GASTROINTESTINAL STROMAL TUMOR. Identifiers: Orphanet 97286, MedGen C1847319, MONDO:0011740, OMIM 606864.
Cowden syndrome 3 (CWS3). Identifiers: Orphanet 201, MedGen CN166604, MONDO:0014045.
Paragangliomas with sensorineural hearing loss. Identifiers: MedGen C1868633.

Allele frequency attached by ClinVar (database versions not stated): gnomAD exomes below 0.00001.

Submissions (2):

Ambry Genetics
Classification: Uncertain significance for Hereditary cancer-predisposing syndrome. Last evaluated: 2025-03-12. Review status: criteria provided, single submitter. Criteria: Ambry Variant Classification Scheme 2023. Collection method: clinical testing. Allele origin: germline.
Comment: The p.V3F variant (also known as c.7G>T), located in coding exon 1 of the SDHD gene, results from a G to T substitution at nucleotide position 7. The valine at codon 3 is replaced by phenylalanine, an amino acid with highly similar properties. This amino acid position is conserved. In addition, the in silico prediction for this alteration is inconclusive. Based on the available evidence, the clinical significance of this variant remains unclear.

Labcorp Genetics (formerly Invitae), Labcorp
Classification: Uncertain significance for Carney-Stratakis syndrome; Paragangliomas with sensorineural hearing loss; Pheochromocytoma; Cowden syndrome 3. Last evaluated: 2020-09-25. Review status: criteria provided, single submitter. Criteria: Invitae Variant Classification Sherloc (09022015). Collection method: clinical testing. Allele origin: germline.
Comment: In summary, this variant is a novel missense change that is not predicted to affect protein function. There is no indication that it causes disease, but the available evidence is currently insufficient to prove that conclusively. Therefore, it has been classified as a Variant of Uncertain Significance. This variant is not present in population databases (ExAC no frequency) and has not been reported in the literature in individuals with an SDHD-related disease. This sequence change replaces valine with phenylalanine at codon 3 of the SDHD protein (p.Val3Phe). The valine residue is weakly conserved and there is a small physicochemical difference between valine and phenylalanine. Algorithms developed to predict the effect of missense changes on protein structure and function (SIFT, PolyPhen-2, Align-GVGD) all suggest that this variant is likely to be tolerated, but these predictions have not been confirmed by published functional studies.

NM_003002.4(SDHD):c.7G>T (p.Val3Phe)

Genes: SDHD (succinate dehydrogenase complex subunit D; plus strand), LOC126861339 (BRD4-independent group 4 enhancer GRCh37_chr11:111957035-111958234; plus strand). Cytogenetic location: 11q23.1.
Variant type: single nucleotide variant.
Coding change: c.7G>T on transcript NM_003002.4 (MANE Select); coding-DNA position 7, G replaced by T.
Protein change: p.Val3Phe; replaces valine 3 with phenylalanine.
Molecular consequence: missense variant. On other transcripts: non-coding transcript variant (1).
Genome position (GRCh38, 1-based): chr11:112,086,914, G>T. VCF-style: chr11-112086914-G-T. GRCh37 (hg19) VCF-style: chr11-111957638-G-T.
Other names: c.7G>T, p.Val3Phe (NM_001276503.2, NM_001276504.2, NM_001276506.2); c.7G>T (NM_003002.2); short protein forms V3F.
Identifiers: ClinVar variation 465246 (VCV000465246.7), dbSNP rs1555186656, ClinGen allele CA382616622.
Genomic context (GRCh38, chr11:112,086,914, plus strand): 5'-TTGTCGCCTAAGTGGTTCCGGGTTGGTGGATGACCTTGAGCCCTCAGGAACGAGATGGCG[G>T]TTCTCTGGAGGCTGAGTGCCGTTTGCGGTGCCCTAGGAGGCCGAGGTGAGGGGTCTTCCC-3'
Protein context (NP_002993.1, residues 1-13): MA[Val3Phe]LWRLSAVCGA